The following is an entry in ClinVar:

NM_000631.5(NCF4):c.758+36_758+81del

Gene: NCF4 (neutrophil cytosolic factor 4; plus strand). Cytogenetic location: 22q12.3.
Variant type: Deletion.
Coding change: c.758+36_758+81del on transcript NM_000631.5 (MANE Select); bases 36 to 81 of the intron after coding-DNA position 758, 46 bases deleted.
Molecular consequence: intron variant. On other transcripts: frameshift variant (1).
Genome position (GRCh38, 1-based): chr22:36,875,819-36,875,864, 46 bases deleted. GRCh37 (hg19): chr22:37,271,861-37,271,906.
Other names: c.794_839del, p.Phe265fs (NM_013416.4); short protein forms F265fs.
Identifiers: ClinVar variation 2696736 (VCV002696736.3), dbSNP rs2517929080, ClinGen allele CA2697552731.

ClinVar aggregate classification (germline): Pathogenic (1 of 4 stars; one submission).

Conditions:
Granulomatous disease, chronic, autosomal recessive, cytochrome b-positive, type 3. Also called: GRANULOMATOUS DISEASE, CHRONIC, AUTOSOMAL RECESSIVE, 3; CGD, AUTOSOMAL RECESSIVE CYTOCHROME b-POSITIVE, TYPE III; GRANULOMATOUS DISEASE, CHRONIC, DUE TO NCF4 DEFICIENCY; Granulomatous disease, chronic, autosomal recessive, cytochrome b-positive, type III. Identifiers: Orphanet 379, MedGen C3151409, MONDO:0013507, OMIM 613960.

Submission:

Labcorp Genetics (formerly Invitae), Labcorp
Classification: Pathogenic for Granulomatous disease, chronic, autosomal recessive, cytochrome b-positive, type 3. Last evaluated: 2023-11-17. Review status: criteria provided, single submitter. Criteria: Invitae Variant Classification Sherloc (09022015). Collection method: clinical testing. Allele origin: germline.
Comment: This sequence change creates a premature translational stop signal (p.Phe265Cysfs*14) in the NCF4 gene. It is expected to result in an absent or disrupted protein product. Loss-of-function variants in NCF4 are known to be pathogenic (PMID: 16880254, 19692703, 20167518). This variant is not present in population databases (gnomAD no frequency). This variant has not been reported in the literature in individuals affected with NCF4-related conditions. For these reasons, this variant has been classified as Pathogenic.

Literature cited by the submitters: PubMed 16880254; PubMed 19692703; PubMed 20167518.